The following is an entry in ClinVar:

ClinVar aggregate classification (germline): Uncertain significance (1 of 4 stars; one submission).

Conditions:
Werner syndrome (WRN). Identifiers: Orphanet 902, MedGen C0043119, MONDO:0010196, OMIM 277700.

Submission:

Labcorp Genetics (formerly Invitae), Labcorp
Classification: Uncertain significance for Werner syndrome. Last evaluated: 2022-03-20. Review status: criteria provided, single submitter. Criteria: Invitae Variant Classification Sherloc (09022015). Collection method: clinical testing. Allele origin: germline.
Comment: In summary, the available evidence is currently insufficient to determine the role of this variant in disease. Therefore, it has been classified as a Variant of Uncertain Significance. Algorithms developed to predict the effect of sequence changes on RNA splicing suggest that this variant is not likely to affect RNA splicing. Algorithms developed to predict the effect of missense changes on protein structure and function are either unavailable or do not agree on the potential impact of this missense change (SIFT: "Not Available"; PolyPhen-2: "Possibly Damaging"; Align-GVGD: "Not Available"). ClinVar contains an entry for this variant (Variation ID: 579587). This variant has not been reported in the literature in individuals affected with WRN-related conditions. This variant is not present in population databases (gnomAD no frequency). This sequence change replaces serine, which is neutral and polar, with arginine, which is basic and polar, at codon 107 of the WRN protein (p.Ser107Arg).

NM_000553.6(WRN):c.321C>G (p.Ser107Arg)

Gene: WRN (WRN RecQ like helicase; plus strand). Cytogenetic location: 8p12.
Variant type: single nucleotide variant.
Coding change: c.321C>G on transcript NM_000553.6 (MANE Select); coding-DNA position 321, C replaced by G.
Protein change: p.Ser107Arg; replaces serine 107 with arginine.
Molecular consequence: missense variant.
Genome position (GRCh38, 1-based): chr8:31,064,400, C>G. VCF-style: chr8-31064400-C-G. GRCh37 (hg19) VCF-style: chr8-30921916-C-G.
Other names: short protein forms S107R.
Identifiers: ClinVar variation 579587 (VCV000579587.5), dbSNP rs1563329515, ClinGen allele CA370914364.